The following is an entry in ClinVar:

NM_001385641.1(SAMD11):c.2341C>G (p.Leu781Val)

Gene: SAMD11 (sterile alpha motif domain containing 11; plus strand). Cytogenetic location: 1p36.33.
Variant type: single nucleotide variant.
Coding change: c.2341C>G on transcript NM_001385641.1 (MANE Select); coding-DNA position 2341, C replaced by G.
Protein change: p.Leu781Val; replaces leucine 781 with valine.
Molecular consequence: missense variant.
Genome position (GRCh38, 1-based): chr1:943,959, C>G. VCF-style: chr1-943959-C-G. GRCh37 (hg19) VCF-style: chr1-879339-C-G.
Other names: c.2344C>G, p.Leu782Val (NM_001385640.1); c.1852C>G, p.Leu618Val (NM_152486.4); short protein forms L618V, L782V, L781V.
Identifiers: ClinVar variation 1383212 (VCV001383212.6), dbSNP rs762794203, ClinGen allele CA503350.
Genomic context (GRCh38, chr1:943,959, plus strand): 5'-TCTCTGCAGGTGGCCAGGCGCCTGGGCCGAGTTTTCTACGTGGCCAGCTTCCCCGTGGCT[C>G]TGCCACTGCAGCCACCAACCCTGCGGGCCCCGGAGCGAGAACTCGGCACAGGAGAGCAGC-3'
Protein context (NP_001372570.1, residues 771-791): VFYVASFPVA[Leu781Val]PLQPPTLRAP

ClinVar aggregate classification (germline): Uncertain significance (1 of 4 stars; one submission).

Allele frequency attached by ClinVar (database versions not stated): gnomAD exomes below 0.00001; ExAC 0.00001.

Submission:

Labcorp Genetics (formerly Invitae), Labcorp
Classification: Uncertain significance. Last evaluated: 2021-10-08. Review status: criteria provided, single submitter. Criteria: Invitae Variant Classification Sherloc (09022015). Collection method: clinical testing. Allele origin: germline.
Comment: This variant is present in population databases (rs762794203, ExAC 0.01%). This sequence change replaces leucine with valine at codon 618 of the SAMD11 protein (p.Leu618Val). The leucine residue is moderately conserved and there is a small physicochemical difference between leucine and valine. This variant has not been reported in the literature in individuals affected with SAMD11-related conditions. In summary, the available evidence is currently insufficient to determine the role of this variant in disease. Therefore, it has been classified as a Variant of Uncertain Significance. Algorithms developed to predict the effect of missense changes on protein structure and function are either unavailable or do not agree on the potential impact of this missense change (SIFT: "Tolerated"; PolyPhen-2: "Possibly Damaging"; Align-GVGD: "Class C0").